The following is an entry in ClinVar:

NM_001079872.2(CUL4B):c.2134T>C (p.Cys712Arg)

Gene: CUL4B (cullin 4B; minus strand). Cytogenetic location: Xq24.
Variant type: single nucleotide variant.
Coding change: c.2134T>C on transcript NM_001079872.2 (MANE Select); coding-DNA position 2134, T replaced by C.
Protein change: p.Cys712Arg; replaces cysteine 712 with arginine.
Molecular consequence: missense variant.
Genome position (GRCh38, 1-based): chrX:120,535,856, A>G on the plus strand (T>C on the coding strand, the complement: CUL4B is on the minus strand). VCF-style: chrX-120535856-A-G. GRCh37 (hg19) VCF-style: chrX-119669711-A-G.
Other names: c.2149T>C, p.Cys717Arg (NM_001330624.2); c.1600T>C, p.Cys534Arg (NM_001369145.1); c.2188T>C, p.Cys730Arg (NM_003588.4); short protein forms C534R, C712R, C717R, C730R.
Identifiers: ClinVar variation 1312375 (VCV001312375.3), dbSNP rs2147325507, ClinGen allele CA414194693.

ClinVar aggregate classification (germline): Uncertain significance. Review status: criteria provided, multiple submitters, no conflicts (2 of 4 stars). 2 submissions from 2 submitters: Uncertain significance (2). Last evaluated 2025-04-05.

Conditions:
X-linked intellectual disability Cabezas type (MRXSC). Also called: Intellectual developmental disorder, X-linked syndromic, Cabezas type; MENTAL RETARDATION, X-LINKED, SYNDROMIC 15; CABEZAS SYNDROME. Identifiers: Orphanet 85289, Orphanet 85293, MedGen C1845861, MONDO:0010306, OMIM 300354.

Submissions (2):

Labcorp Genetics (formerly Invitae), Labcorp
Classification: Uncertain significance for X-linked intellectual disability Cabezas type. Last evaluated: 2025-04-05. Review status: criteria provided, single submitter. Criteria: Invitae Variant Classification Sherloc (09022015). Collection method: clinical testing. Allele origin: germline.
Comment: This sequence change replaces cysteine, which is neutral and slightly polar, with arginine, which is basic and polar, at codon 730 of the CUL4B protein (p.Cys730Arg). This variant is not present in population databases (gnomAD no frequency). This variant has not been reported in the literature in individuals affected with CUL4B-related conditions. ClinVar contains an entry for this variant (Variation ID: 1312375). Invitae Evidence Modeling of protein sequence and biophysical properties (such as structural, functional, and spatial information, amino acid conservation, physicochemical variation, residue mobility, and thermodynamic stability) indicates that this missense variant is expected to disrupt CUL4B protein function with a positive predictive value of 95%. In summary, the available evidence is currently insufficient to determine the role of this variant in disease. Therefore, it has been classified as a Variant of Uncertain Significance.

GeneDx
Classification: Uncertain significance. Last evaluated: 2019-09-23. Review status: criteria provided, single submitter. Criteria: GeneDx Variant Classification Process June 2021. Collection method: clinical testing. Allele origin: germline. Affected: yes.
Comment: Not observed in large population cohorts (Lek et al., 2016); In silico analysis, which includes protein predictors and evolutionary conservation, supports a deleterious effect; Has not been previously published as pathogenic or benign to our knowledge